The following is an entry in ClinVar:

NM_198253.3(TERT):c.3356C>G (p.Ala1119Gly)

Gene: TERT (telomerase reverse transcriptase; minus strand). Cytogenetic location: 5p15.33.
Variant type: single nucleotide variant.
Coding change: c.3356C>G on transcript NM_198253.3 (MANE Select); coding-DNA position 3356, C replaced by G.
Protein change: p.Ala1119Gly; replaces alanine 1119 with glycine.
Molecular consequence: missense variant. On other transcripts: non-coding transcript variant (2).
Genome position (GRCh38, 1-based): chr5:1,253,771, G>C on the plus strand (C>G on the coding strand, the complement: TERT is on the minus strand). VCF-style: chr5-1253771-G-C. GRCh37 (hg19) VCF-style: chr5-1253886-G-C.
Other names: c.3167C>G, p.Ala1056Gly (NM_001193376.3); c.3356C>G, p.Ala1119Gly (NM_003219.1); short protein forms A1056G, A1119G.
Identifiers: ClinVar variation 3240583 (VCV003240583.2), dbSNP rs1308414404.
Genomic context (GRCh38, chr5:1,253,771, plus strand): 5'-CTGTGGGCGGGTGGCCATCAGTCCAGGATGGTCTTGAAGTCTGAGGGCAGTGCCGGGTTG[G>C]CTGCGGCCTCCAGGGCAGTCAGCGTCGTCCCCGGGAGCTTCCGACTCAGCTGCGTCTGGG-3'
Protein context (NP_937983.2, residues 1109-1129): GTTLTALEAA[Ala1119Gly]NPALPSDFKT

ClinVar aggregate classification (germline): Uncertain significance. Review status: criteria provided, multiple submitters, no conflicts (2 of 4 stars). 2 submissions from 2 submitters: Uncertain significance (2). Last evaluated 2024-09-21.

Conditions:
Dyskeratosis congenita. Identifiers: Orphanet 1775, MedGen C0265965, MONDO:0015780.
Dyskeratosis congenita, autosomal dominant 2. Identifiers: MedGen C3151443, MONDO:0013521, OMIM 613989.

Submissions (2):

Ambry Genetics
Classification: Uncertain significance for Dyskeratosis congenita. Last evaluated: 2024-09-21. Review status: criteria provided, single submitter. Criteria: Ambry Variant Classification Scheme 2023. Collection method: clinical testing. Allele origin: germline.
Comment: The p.A1119G variant (also known as c.3356C>G), located in coding exon 16 of the TERT gene, results from a C to G substitution at nucleotide position 3356. The alanine at codon 1119 is replaced by glycine, an amino acid with similar properties. This amino acid position is conserved. In addition, the in silico prediction for this alteration is inconclusive. Based on the available evidence, the clinical significance of this variant remains unclear.

Baylor Genetics
Classification: Uncertain significance for Dyskeratosis congenita, autosomal dominant 2. Last evaluated: 2023-12-30. Review status: criteria provided, single submitter. Criteria: ACMG Guidelines, 2015. Collection method: clinical testing. Allele origin: unknown.